The following is an entry in ClinVar:

NM_018668.5(VPS33B):c.675T>C (p.Ile225=)

Gene: VPS33B (VPS33B late endosome and lysosome associated; minus strand). Cytogenetic location: 15q26.1.
Variant type: single nucleotide variant.
Coding change: c.675T>C on transcript NM_018668.5 (MANE Select); coding-DNA position 675, T replaced by C.
Protein change: p.Ile225=; no amino-acid change (isoleucine 225 retained).
Molecular consequence: synonymous variant.
Genome position (GRCh38, 1-based): chr15:91,006,975, A>G on the plus strand (T>C on the coding strand, the complement: VPS33B is on the minus strand). VCF-style: chr15-91006975-A-G. GRCh37 (hg19) VCF-style: chr15-91550205-A-G.
Other names: c.594T>C, p.Ile198= (NM_001289148.1); c.402T>C, p.Ile134= (NM_001289149.1).
Identifiers: ClinVar variation 4983932 (VCV004983932.1).
Genomic context (GRCh38, chr15:91,006,975, plus strand): 5'-GCTGAAAGATGACAGGAACGCTGGGCATAATTTACCTCTGTCCAAGAGAAAGATATGTCC[A>G]ATCTCTGGCCTTCGGCCCTTGGTTTCGCCATCCTCCTCCTCCTCCAGGTTCCTCCACAAT-3'
Protein context (NP_061138.3, residues 215-235): DGETKGRRPE[Ile225=]GHIFLLDRDV

ClinVar aggregate classification (germline): Likely benign (1 of 4 stars; one submission).

Conditions:
VPS33B-related disorder. Also called: VPS33B-related condition.

gnomAD v4.1: 2 of 1,614,126 alleles (0.00012%); highest among the groups gnomAD compares: Non-Finnish European, 0.00017%; no homozygotes.

Submission:

PreventionGenetics, part of Exact Sciences
Classification: Likely benign for VPS33B-related condition. Last evaluated: 2026-08-16. Review status: criteria provided, single submitter. Criteria: ACMG Guidelines, 2015. Collection method: clinical testing. Allele origin: germline.
Comment: This variant is classified as likely benign based on ACMG/AMP sequence variant interpretation guidelines (Richards et al. 2015 PMID: 25741868, with internal and published modifications).